The following is an entry in ClinVar:

NM_001042492.3(NF1):c.7870-2A>G

Gene: NF1 (neurofibromin 1; plus strand). Cytogenetic location: 17q11.2.
Variant type: single nucleotide variant.
Coding change: c.7870-2A>G on transcript NM_001042492.3 (MANE Select); the canonical splice acceptor site of the intron before coding-DNA position 7870, A replaced by G.
Molecular consequence: splice acceptor variant.
Genome position (GRCh38, 1-based): chr17:31,357,267, A>G. VCF-style: chr17-31357267-A-G. GRCh37 (hg19) VCF-style: chr17-29684285-A-G.
Other names: c.7807-2A>G (NM_000267.4).
Identifiers: ClinVar variation 859845 (VCV000859845.8), dbSNP rs2070296011, ClinGen allele CA399018746.

ClinVar aggregate classification (germline): Pathogenic. Review status: criteria provided, multiple submitters, no conflicts (2 of 4 stars). 2 submissions from 2 submitters: Pathogenic (2). Last evaluated 2024-11-13.

Conditions:
Neurofibromatosis, type 1 (NF1). Also called: Neurofibromatosis, type I; VON RECKLINGHAUSEN DISEASE; NEUROFIBROMATOSIS, TYPE I, SOMATIC; Peripheral type neurofibromatosis. Identifiers: Orphanet 636, MedGen C0027831, MONDO:0018975, OMIM 162200. Disease mechanism: loss of function.

Submissions (2):

Dasa
Classification: Pathogenic. Last evaluated: 2024-11-13. Review status: criteria provided, single submitter. Criteria: DASA Assertion Criteria. Collection method: clinical testing. Allele origin: germline.
Comment: NM_001042492.3(NF1):c.7870-2A>G affects a canonical splice site and is predicted to disrupt normal RNA splicing, leading to loss of normal protein function. Loss-of-function is an established mechanism of disease for this gene. This variant has been reported in individuals with related phenotype. The variant is present at low frequency in population datasets. Based on the available data, this variant is classified as pathogenic.

Labcorp Genetics (formerly Invitae), Labcorp
Classification: Pathogenic for Neurofibromatosis, type 1. Last evaluated: 2021-06-17. Review status: criteria provided, single submitter. Criteria: Invitae Variant Classification Sherloc (09022015). Collection method: clinical testing. Allele origin: germline.
Comment: For these reasons, this variant has been classified as Pathogenic. Algorithms developed to predict the effect of sequence changes on RNA splicing suggest that this variant may disrupt the consensus splice site, but this prediction has not been confirmed by published transcriptional studies. Disruption of this splice site has been observed in individual(s) with clinical features of neurofibromatosis type I (Invitae). ClinVar contains an entry for this variant (Variation ID: 859845). This variant is not present in population databases (ExAC no frequency). This sequence change affects an acceptor splice site in intron 52 of the NF1 gene. It is expected to disrupt RNA splicing. Variants that disrupt the donor or acceptor splice site typically lead to a loss of protein function (PMID: 16199547), and loss-of-function variants in NF1 are known to be pathogenic (PMID: 10712197, 23913538).

Literature cited by the submitters: PubMed 16199547 (cited by Labcorp Genetics (formerly Invitae), Labcorp); PubMed 10712197 (cited by Labcorp Genetics (formerly Invitae), Labcorp); PubMed 23913538 (cited by Labcorp Genetics (formerly Invitae), Labcorp).